The following is an entry in ClinVar:

ClinVar aggregate classification (germline): Uncertain significance. Review status: criteria provided, single submitter (1 of 4 stars). 2 submissions from 2 submitters: Uncertain significance (1). 1 of the submissions does not count toward it. Last evaluated 2025-04-17.

Conditions:
Charcot-Marie-Tooth disease type 2. Also called: Charcot-Marie-Tooth type 2. Identifiers: Orphanet 64746, MedGen C0270914, MONDO:0018993.

Submissions (2):

Labcorp Genetics (formerly Invitae), Labcorp
Classification: Uncertain significance for Charcot-Marie-Tooth disease type 2. Last evaluated: 2025-04-17. Review status: criteria provided, single submitter. Criteria: Invitae Variant Classification Sherloc (09022015). Collection method: clinical testing. Allele origin: germline.
Comment: This sequence change replaces glycine, which is neutral and non-polar, with arginine, which is basic and polar, at codon 535 of the LMNA protein (p.Gly535Arg). This variant is not present in population databases (gnomAD no frequency). This variant has not been reported in the literature in individuals affected with LMNA-related conditions. ClinVar contains an entry for this variant (Variation ID: 591021). Invitae Evidence Modeling of protein sequence and biophysical properties (such as structural, functional, and spatial information, amino acid conservation, physicochemical variation, residue mobility, and thermodynamic stability) indicates that this missense variant is expected to disrupt LMNA protein function with a positive predictive value of 95%. In summary, the available evidence is currently insufficient to determine the role of this variant in disease. Therefore, it has been classified as a Variant of Uncertain Significance.

Gharavi Laboratory, Columbia University
Classification: Uncertain significance. Last evaluated: 2018-09-16. Review status: no assertion criteria provided. Criteria: ACMG Guidelines, 2015. Collection method: research. Allele origin: germline. Affected: yes. Not counted in ClinVar's aggregate classification.

NM_170707.4(LMNA):c.1603G>C (p.Gly535Arg)

Gene: LMNA (lamin A/C; plus strand). Cytogenetic location: 1q22.
Variant type: single nucleotide variant.
Coding change: c.1603G>C on transcript NM_170707.4 (MANE Select); coding-DNA position 1603, G replaced by C.
Protein change: p.Gly535Arg; replaces glycine 535 with arginine.
Molecular consequence: missense variant.
Genome position (GRCh38, 1-based): chr1:156,137,227, G>C. VCF-style: chr1-156137227-G-C. GRCh37 (hg19) VCF-style: chr1-156107018-G-C.
Other names: c.1267G>C, p.Gly423Arg (NM_001257374.3); c.1360G>C, p.Gly454Arg (NM_001282624.2); c.1603G>C, p.Gly535Arg (NM_001282625.2, NM_001282626.2, NM_005572.4 and 1 more transcripts); short protein forms G535R, G454R, G423R.
Identifiers: ClinVar variation 591021 (VCV000591021.5), dbSNP rs1304542176, ClinGen allele CA342823619.
Genomic context (GRCh38, chr1:156,137,227, plus strand): 5'-AAGGCACAGAACACCTGGGGCTGCGGGAACAGCCTGCGTACGGCTCTCATCAACTCCACT[G>C]GGGAAGTAAGTAGGCCTGGGCCTGGCTGCTTGCTGGACGAGGCTCCCCCTGATGGCCAAC-3'
Protein context (NP_733821.1, residues 525-545): SLRTALINST[Gly535Arg]EEVAMRKLVR